The following is an entry in ClinVar:

NM_001271.4(CHD2):c.159G>C (p.Ser53=)

Gene: CHD2 (chromodomain helicase DNA binding protein 2; plus strand). Cytogenetic location: 15q26.1.
Variant type: single nucleotide variant.
Coding change: c.159G>C on transcript NM_001271.4 (MANE Select); coding-DNA position 159, G replaced by C.
Protein change: p.Ser53=; no amino-acid change (serine 53 retained).
Molecular consequence: synonymous variant.
Genome position (GRCh38, 1-based): chr15:92,924,417, G>C. VCF-style: chr15-92924417-G-C. GRCh37 (hg19) VCF-style: chr15-93467647-G-C.
Other names: c.159G>C, p.Ser53= (NM_001042572.3).
Identifiers: ClinVar variation 3044651 (VCV003044651.3), dbSNP rs552271683, ClinGen allele CA492687515.

ClinVar aggregate classification (germline): Likely benign. Review status: criteria provided, single submitter (1 of 4 stars). 2 submissions from 2 submitters: Likely benign (1). 1 of the submissions does not count toward it. Last evaluated 2022-07-15.

Conditions:
CHD2-related disorder. Also called: CHD2-related condition.

gnomAD v4.1: 1 of 1,614,120 alleles (0.000062%); no homozygotes.

Submissions (2):

Blueprint Genetics
Classification: Likely benign. Last evaluated: 2022-07-15. Review status: criteria provided, single submitter. Criteria: ACMG Guidelines, 2015. Collection method: clinical testing. Allele origin: germline.

PreventionGenetics, part of Exact Sciences
Classification: Likely benign for CHD2-related condition. Last evaluated: 2019-06-03. Review status: no assertion criteria provided. Collection method: clinical testing. Allele origin: germline. Not counted in ClinVar's aggregate classification.
Comment: This variant is classified as likely benign based on ACMG/AMP sequence variant interpretation guidelines (Richards et al. 2015 PMID: 25741868, with internal and published modifications).